The following is an entry in ClinVar:

NM_000053.4(ATP7B):c.4396T>C (p.Ter1466Arg)

Gene: ATP7B (ATPase copper transporting beta; minus strand). Cytogenetic location: 13q14.3.
Variant type: single nucleotide variant.
Coding change: c.4396T>C on transcript NM_000053.4 (MANE Select); coding-DNA position 4396, T replaced by C.
Protein change: p.Ter1466Arg.
Molecular consequence: stop lost.
Genome position (GRCh38, 1-based): chr13:51,934,758, A>G on the plus strand (T>C on the coding strand, the complement: ATP7B is on the minus strand). VCF-style: chr13-51934758-A-G. GRCh37 (hg19) VCF-style: chr13-52508894-A-G.
Other names: c.3775T>C, p.Ter1259Arg (NM_001005918.3); c.4063T>C, p.Ter1355Arg (NM_001243182.2); c.4162T>C, p.Ter1388Arg (NM_001330578.2, NM_001406527.1, NM_001406528.1); c.4144T>C, p.Ter1382Arg (NM_001330579.2, NM_001406531.1, NM_001406532.1); c.4396T>C, p.Ter1466Arg (NM_001406511.1, NM_001406512.1); c.4390T>C, p.Ter1464Arg (NM_001406513.1); c.4363T>C, p.Ter1455Arg (NM_001406514.1); c.4342T>C, p.Ter1448Arg (NM_001406515.1, NM_001406516.1); and 21 more.
Identifiers: ClinVar variation 2137506 (VCV002137506.2), dbSNP rs1956854198, ClinGen allele CA388018511.
Genomic context (GRCh38, chr13:51,934,758, plus strand): 5'-TGCTCAGCTTGTGGTGAGTGGAGGCAAGTCCCTGCCCCGGCCCGCCTGCCTGAAGTCATC[A>G]GATGTACTGCTCCTCATCCCTGCCATTCAGGAGCAGAGACCACTTGTCCCCATCATCGTC-3'

ClinVar aggregate classification (germline): Conflicting classifications of pathogenicity. Review status: criteria provided, conflicting classifications (1 of 4 stars). 2 submissions from 2 submitters: Likely pathogenic (1); Uncertain significance (1). Last evaluated 2024-01-06.

Conditions:
Wilson disease (WND). Also called: Wilson's disease. Identifiers: Orphanet 905, MedGen C0019202, MONDO:0010200, OMIM 277900. Disease mechanism: loss of function.

Allele frequency attached by ClinVar (database versions not stated): gnomAD exomes below 0.00001.
gnomAD v4.1: 2 of 1,613,612 alleles (0.00012%); highest among the groups gnomAD compares: South Asian, 0.0011%; no homozygotes.

Submissions (2):

Fulgent Genetics
Classification: Likely pathogenic for Wilson disease. Last evaluated: 2024-01-06. Review status: criteria provided, single submitter. Criteria: ACMG Guidelines, 2015. Collection method: clinical testing. Allele origin: germline.

Labcorp Genetics (formerly Invitae), Labcorp
Classification: Uncertain significance for Wilson disease. Last evaluated: 2021-12-22. Review status: criteria provided, single submitter. Criteria: Invitae Variant Classification Sherloc (09022015). Collection method: clinical testing. Allele origin: germline.
Comment: This sequence change disrupts the translational stop signal of the ATP7B mRNA. It is expected to extend the length of the ATP7B protein by 1 additional amino acid residues. This variant is not present in population databases (gnomAD no frequency). This protein extension has been observed in individual(s) with clinical features of Wilson disease (PMID: 15523622). Experimental studies and prediction algorithms are not available or were not evaluated, and the functional significance of this variant is currently unknown. In summary, the available evidence is currently insufficient to determine the role of this variant in disease. Therefore, it has been classified as a Variant of Uncertain Significance.

Literature cited by the submitters: PubMed 15523622 (cited by Labcorp Genetics (formerly Invitae), Labcorp).